The following is an entry in ClinVar:

NM_020549.5(CHAT):c.1492T>C (p.Ser498Pro)

Gene: CHAT (choline O-acetyltransferase; plus strand). Cytogenetic location: 10q11.23.
Variant type: single nucleotide variant.
Coding change: c.1492T>C on transcript NM_020549.5 (MANE Select); coding-DNA position 1492, T replaced by C.
Protein change: p.Ser498Pro; replaces serine 498 with proline.
Molecular consequence: missense variant.
Genome position (GRCh38, 1-based): chr10:49,649,617, T>C. VCF-style: chr10-49649617-T-C. GRCh37 (hg19) VCF-style: chr10-50857663-T-C.
Other names: c.1138T>C, p.Ser380Pro (NM_001142929.2, NM_001142934.2, NM_020984.4 and 2 more transcripts); c.1246T>C, p.Ser416Pro (NM_001142933.2); short protein forms S380P, S416P, S498P.
Identifiers: ClinVar variation 1066458 (VCV001066458.10), dbSNP rs1409506586, ClinGen allele CA376744039.

ClinVar aggregate classification (germline): Likely pathogenic. Review status: criteria provided, multiple submitters, no conflicts (2 of 4 stars). 2 submissions from 2 submitters: Likely pathogenic (2). Last evaluated 2025-07-24.

Conditions:
Congenital myasthenic syndrome (CMS). Also called: Congenital Myasthenic Syndromes. Identifiers: Orphanet 590, MedGen C0751882, MeSH D020294, MONDO:0018940.
Familial infantile myasthenia (CMS6). Also called: MYASTHENIC SYNDROME, PRESYNAPTIC, CONGENITAL, ASSOCIATED WITH EPISODIC APNEA; MYASTHENIC SYNDROME, CONGENITAL, 6, PRESYNAPTIC; Congenital myasthenic syndrome type 6. Identifiers: Orphanet 590, MedGen C0393929, MONDO:0009689, OMIM 254210.

Allele frequency attached by ClinVar (database versions not stated): TOPMed 0.00001; gnomAD 0.00002.
gnomAD v4.1: 7 of 1,613,710 alleles (0.00043%); highest among the groups gnomAD compares: Admixed American, 0.0017%; no homozygotes.

Submissions (2):

Women's Health and Genetics/Laboratory Corporation of America, LabCorp
Classification: Likely pathogenic for Congenital myasthenic syndrome. Last evaluated: 2025-07-24. Review status: criteria provided, single submitter. Criteria: LabCorp Variant Classification Summary - May 2015. Collection method: clinical testing. Allele origin: germline.
Comment: Variant summary: CHAT c.1492T>C (p.Ser498Pro) results in a non-conservative amino acid change located in the choline/carnitine acyltransferase domain of the encoded protein sequence. Algorithms developed to predict the effect of missense changes on protein structure and function all suggest that this variant is likely to be disruptive. The variant was absent in 249678 control chromosomes. c.1492T>C has been observed in individual(s) affected with Congenital Myasthenic Syndrome (Shen_2011, internal data). These data indicate that the variant may be associated with disease. At least one publication reports experimental evidence evaluating an impact on protein function. The most pronounced variant effect results in around 30% of normal protein expression with approximately 70% catalytic efficiency compared to the WT enzyme (Shen_2011). Additionally, a different variant affecting the same codon has been classified as likely pathogenic by our lab (c.1493C>T, Ser498Leu), supporting the critical relevance of codon 498 to CHAT protein function. The following publication has been ascertained in the context of this evaluation (PMID: 21786365). ClinVar contains an entry for this variant (Variation ID: 1066458). Based on the evidence outlined above, the variant was classified as likely pathogenic.

Labcorp Genetics (formerly Invitae), Labcorp
Classification: Likely pathogenic for Familial infantile myasthenia. Last evaluated: 2024-02-06. Review status: criteria provided, single submitter. Criteria: Invitae Variant Classification Sherloc (09022015). Collection method: clinical testing. Allele origin: germline.
Comment: This sequence change replaces serine, which is neutral and polar, with proline, which is neutral and non-polar, at codon 498 of the CHAT protein (p.Ser498Pro). This variant is not present in population databases (gnomAD no frequency). This missense change has been observed in individual(s) with congenital myasthenic syndrome (PMID: 21786365; Invitae). In at least one individual the data is consistent with being in trans (on the opposite chromosome) from a pathogenic variant. ClinVar contains an entry for this variant (Variation ID: 1066458). Advanced modeling of protein sequence and biophysical properties (such as structural, functional, and spatial information, amino acid conservation, physicochemical variation, residue mobility, and thermodynamic stability) performed at Invitae indicates that this missense variant is not expected to disrupt CHAT protein function with a negative predictive value of 95%. Experimental studies have shown that this missense change affects CHAT function (PMID: 21786365). This variant disrupts the p.Ser498 amino acid residue in CHAT. Other variant(s) that disrupt this residue have been observed in individuals with CHAT-related conditions (PMID: 11172068, 35253369), which suggests that this may be a clinically significant amino acid residue. In summary, the currently available evidence indicates that the variant is pathogenic, but additional data are needed to prove that conclusively. Therefore, this variant has been classified as Likely Pathogenic.

Literature cited by the submitters: PubMed 21786365 (cited by Women's Health and Genetics/Laboratory Corporation of America, LabCorp and Labcorp Genetics (formerly Invitae), Labcorp); PubMed 11172068 (cited by Labcorp Genetics (formerly Invitae), Labcorp); PubMed 35253369 (cited by Labcorp Genetics (formerly Invitae), Labcorp).